The following is an entry in ClinVar:

ClinVar aggregate classification (germline): Uncertain significance (1 of 4 stars; one submission).

Conditions:
Fabry disease. Also called: Fabry's disease; ALPHA-GALACTOSIDASE A DEFICIENCY; ANDERSON-FABRY DISEASE; CERAMIDE TRIHEXOSIDASE DEFICIENCY; GLA DEFICIENCY; HEREDITARY DYSTOPIC LIPIDOSIS. Identifiers: Orphanet 324, MedGen C0002986, MONDO:0010526, OMIM 301500, HP:0001071. Disease mechanism: Fabry disease is due to inactivating mutations in the X-linked GLA gene resulting in deficiency of the enzyme Alpha Galactosidase-A., loss of function.

Submission:

Genomenon, Inc
Classification: Uncertain significance for Fabry disease. Last evaluated: 2026-09-08. Review status: criteria provided, single submitter. Criteria: Genomenon Sequence Variant Interpretation Standards - Updated. Collection method: curation. Allele origin: germline. Affected: no.
Comment: GLA p.Asn53Leu (c.157_158delinsCT) is a deletion-insertion variant that changes the amino acid at codon 53 from Asparagine to Leucine. This variant has been reported in the published literature (PMID:27657681). It is absent or not present at a significant frequency in gnomAD. In conclusion, we classify GLA p.Asn53Leu (c.157_158delinsCT) as a variant of uncertain significance.

Literature cited by the submitters: PubMed 27657681.

NM_000169.3(GLA):c.157_158delinsCT (p.Asn53Leu)

Genes: GLA (galactosidase alpha; minus strand), RPL36A-HNRNPH2 (RPL36A-HNRNPH2 readthrough; plus strand). Cytogenetic location: Xq22.1.
Variant type: Indel.
Coding change: c.157_158delinsCT on transcript NM_000169.3 (MANE Select); coding-DNA positions 157 to 158, AA replaced by CT.
Protein change: p.Asn53Leu; replaces asparagine 53 with leucine.
Molecular consequence: missense variant. On other transcripts: non-coding transcript variant (3), intron variant (2).
Genome position (GRCh38, 1-based): chrX:101,407,746-101,407,747, TT replaced by AG on the plus strand (AA replaced by CT on the coding strand, the reverse complement: GLA is on the minus strand). VCF-style: chrX-101407746-TT-AG. GRCh37 (hg19) VCF-style: chrX-100662734-TT-AG.
Other names: c.157_158delinsCT, p.Asn53Leu (NM_001406747.1, NM_001406748.1, NM_001406749.1); c.301-4190_301-4189delinsAG (NM_001199973.2); c.178-4190_178-4189delinsAG (NM_001199974.2); short protein forms N53L.
Identifiers: ClinVar variation 4974860 (VCV004974860.1).